The following is an entry in ClinVar:

ClinVar aggregate classification (germline): Uncertain significance (1 of 4 stars; one submission).

Conditions:
UNC79-related disorder. Also called: UNC79-related condition.

Submission:

3billion
Classification: Uncertain significance for UNC79-related disorder. Last evaluated: 2025-08-13. Review status: criteria provided, single submitter. Criteria: ACMG Guidelines, 2015. Collection method: clinical testing. Allele origin: germline. Affected: yes.
Comment: The variant is not observed in the gnomAD v4.1.0 dataset. Predicted Consequence/Location: Intron variant In silico tools predict the variant to alter splicing and produce an abnormal transcript [SpliceAI: 0.79 (>=0.2, moderate evidence for spliceogenicity)]. Therefore, this variant is classified as VUS according to the recommendation of ACMG/AMP guideline.

NM_001395159.1(UNC79):c.1947-19_1947-5del

Gene: UNC79 (unc-79 subunit of NALCN channel complex; plus strand). Cytogenetic location: 14q32.12.
Variant type: Deletion.
Coding change: c.1947-19_1947-5del on transcript NM_001395159.1 (MANE Select); 19 bases into the intron before coding-DNA position 1947 through 5 bases into the intron before coding-DNA position 1947, 15 bases deleted (TTGTTGCTCTGCTTT).
Molecular consequence: intron variant.
Genome position (GRCh38, 1-based): chr14:93,572,674-93,572,688, TTGTTGCTCTGCTTT deleted; deleting any 15 consecutive bases within chr14:93,572,672-93,572,688 gives the same sequence; the c. name uses the placement nearest the transcript's 3' end. VCF-style (leftmost placement, unchanged base first): chr14-93572671-CTTTTGTTGCTCTGCT-C. GRCh37 (hg19) VCF-style: chr14-94039017-CTTTTGTTGCTCTGCT-C.
Other names: c.1416-19_1416-5del (NM_020818.5); c.1947-19_1947-5del (NM_001346218.2).
Identifiers: ClinVar variation 4854593 (VCV004854593.1).
Genomic context (GRCh38, chr14:93,572,671, plus strand): 5'-AATAGTTAGAAAGACGGTGGTGGTATTAGTAGAACCCAATCTATGCCCATTGGTCATTTA[CTTTTGTTGCTCTGCT>C]TTCCAGCAAAATGTTTGACATTGAACTCTGTCCTCTGCCTTTCTCAATGGAGGAGATGTT-3'